The following is an entry in ClinVar:

ClinVar aggregate classification (germline): Benign/Likely benign. Review status: criteria provided, multiple submitters, no conflicts (2 of 4 stars). 8 submissions from 8 submitters: Benign (3); Likely benign (4). 1 of the submissions does not count toward it. Last evaluated 2024-12-13.

Conditions:
Pelizaeus-Merzbacher disease. Also called: Pelizeaus-Merzbacher spectrum disorder; Pelizaeus-Merzbacher spectrum disorder; Pelizaeus-Merzbacher Disease (PMD); LEUKODYSTROPHY, HYPOMYELINATING, 1; Sudanophilic leukodystrophy. Identifiers: Orphanet 702, MedGen C0205711, MONDO:0010714, OMIM 312080, HP:0003269.
Hereditary spastic paraplegia 2 (SPG2). Also called: Spastic Paraplegia 2 (SPG2); SPASTIC PARAPLEGIA 2, X-LINKED. Identifiers: Orphanet 99015, MedGen C0751604, MONDO:0010733, OMIM 312920.
Pelizaeus-Merzbacher disease, mild. Identifiers: MedGen C4016484.

Allele frequency attached by ClinVar (database versions not stated): ESP Exome Variant Server 0.00019; gnomAD 0.00152 and 0.00179; TOPMed 0.00238; gnomAD exomes 0.00343; ExAC 0.00347; 1000 Genomes Project 30x 0.00728; 1000 Genomes Project 0.00742.
gnomAD v4.1: 1,779 of 1,197,630 alleles (0.15%); highest among the groups gnomAD compares: East Asian, 2.3%; 10 homozygotes.

Submissions (8):

Athena Diagnostics
Classification: Benign. Last evaluated: 2024-12-13. Review status: criteria provided, single submitter. Criteria: Athena Diagnostics Criteria. Collection method: clinical testing. Allele origin: unknown.
Comment: The frequency of this variant in the general population is higher than would generally be expected for pathogenic variants in this gene.

Labcorp Genetics (formerly Invitae), Labcorp
Classification: Benign for Hereditary spastic paraplegia 2. Last evaluated: 2023-03-23. Review status: criteria provided, single submitter. Criteria: Invitae Variant Classification Sherloc (09022015). Collection method: clinical testing. Allele origin: germline.

Fulgent Genetics
Classification: Likely benign for Pelizaeus-Merzbacher disease; Hereditary spastic paraplegia 2. Last evaluated: 2022-04-25. Review status: criteria provided, single submitter. Criteria: ACMG Guidelines, 2015. Collection method: clinical testing. Allele origin: unknown.

GeneDx
Classification: Likely benign. Last evaluated: 2021-10-13. Review status: criteria provided, single submitter. Criteria: GeneDx Variant Classification Process June 2021. Collection method: clinical testing. Allele origin: germline. Affected: yes.
Comment: See Variant Classification Assertion Criteria.

Center for Pediatric Genomic Medicine, Children's Mercy Hospital and Clinics
Classification: Likely benign. Last evaluated: 2017-09-18. Review status: criteria provided, single submitter. Criteria: ACMG Guidelines, 2015. Collection method: clinical testing. Allele origin: germline.

Breakthrough Genomics
Classification: Likely benign. Review status: criteria provided, single submitter. Criteria: ACMG Guidelines, 2015. Collection method: not provided. Allele origin: germline. Inheritance: X-linked inheritance. Affected: yes.

Broad Center for Mendelian Genomics, Broad Institute of MIT and Harvard
Classification: Benign for Pelizaeus-Merzbacher disease. Review status: criteria provided, single submitter. Criteria: ACMG Guidelines, 2015. Collection method: research. Allele origin: germline. Inheritance: X-linked inheritance. Affected: yes.
Comment: In summary, this variant meets criteria to be classified as benign for X-linked recessive Perlizaeus-Merzbacher disease.

OMIM
Classification: Uncertain significance for RECLASSIFIED - VARIANT OF UNKNOWN SIGNIFICANCE. Last evaluated: 1996-01-01. Review status: no assertion criteria provided. Collection method: literature only. Allele origin: germline. Not counted in ClinVar's aggregate classification.

Literature cited by the submitters: PubMed 27535533 (cited by Athena Diagnostics and OMIM); PubMed 8723686 (cited by 3 submitters); PubMed 21177054 (cited by Athena Diagnostics).

NM_000533.5(PLP1):c.-31C>T

Genes: PLP1 (proteolipid protein 1; plus strand), RAB9B (RAB9B, member RAS oncogene family; minus strand). Cytogenetic location: Xq22.2.
Variant type: single nucleotide variant.
Coding change: c.-31C>T on transcript NM_000533.5 (MANE Select); 31 bases upstream of the start codon, C replaced by T.
Molecular consequence: 5 prime UTR variant.
Genome position (GRCh38, 1-based): chrX:103,776,965, C>T. VCF-style: chrX-103776965-C-T. GRCh37 (hg19) VCF-style: chrX-103031893-C-T.
Other names: -34C-T, 5-PRIME UTR; c.-31C>T (NM_001128834.3, NM_001305004.1, NM_199478.3).
Identifiers: ClinVar variation 220658 (VCV000220658.17), dbSNP rs2233695, ClinGen allele CA348881.